The following is an entry in ClinVar:

NM_001386140.1(MTTP):c.2378A>G (p.Asp793Gly)

Gene: MTTP (microsomal triglyceride transfer protein; plus strand). Cytogenetic location: 4q23.
Variant type: single nucleotide variant.
Coding change: c.2378A>G on transcript NM_001386140.1 (MANE Select); coding-DNA position 2378, A replaced by G.
Protein change: p.Asp793Gly; replaces aspartic acid 793 with glycine.
Molecular consequence: missense variant.
Genome position (GRCh38, 1-based): chr4:99,621,096, A>G. VCF-style: chr4-99621096-A-G. GRCh37 (hg19) VCF-style: chr4-100542253-A-G.
Other names: c.2378A>G, p.Asp793Gly (NM_000253.4); c.2129A>G, p.Asp710Gly (NM_001300785.2); short protein forms D793G, D710G.
Identifiers: ClinVar variation 967616 (VCV000967616.6), dbSNP rs780797954, ClinGen allele CA102650835.

ClinVar aggregate classification (germline): Uncertain significance. Review status: criteria provided, single submitter (1 of 4 stars). 2 submissions from 2 submitters: Uncertain significance (1). 1 of the submissions does not count toward it. Last evaluated 2024-11-05.

Conditions:
Abetalipoproteinaemia (ABL). Also called: MTP DEFICIENCY; Abetalipoproteinemia; Abetalipoproteinemia neuropathy; Apolipoprotein B deficiency; Congenital betalipoprotein deficiency syndrome. Identifiers: Orphanet 14, MedGen C0000744, MONDO:0008692, OMIM 200100, HP:0008181.

Allele frequency attached by ClinVar (database versions not stated): TOPMed 0.00002.
gnomAD v4.1: 32 of 1,613,842 alleles (0.002%); highest among the groups gnomAD compares: Admixed American, 0.025%; no homozygotes.

Submissions (2):

Labcorp Genetics (formerly Invitae), Labcorp
Classification: Uncertain significance. Last evaluated: 2024-11-05. Review status: criteria provided, single submitter. Criteria: Invitae Variant Classification Sherloc (09022015). Collection method: clinical testing. Allele origin: germline.
Comment: This sequence change replaces aspartic acid, which is acidic and polar, with glycine, which is neutral and non-polar, at codon 793 of the MTTP protein (p.Asp793Gly). This variant is present in population databases (no rsID available, gnomAD 0.006%). This variant has not been reported in the literature in individuals affected with MTTP-related conditions. ClinVar contains an entry for this variant (Variation ID: 967616). Invitae Evidence Modeling of protein sequence and biophysical properties (such as structural, functional, and spatial information, amino acid conservation, physicochemical variation, residue mobility, and thermodynamic stability) has been performed for this missense variant. However, the output from this modeling did not meet the statistical confidence thresholds required to predict the impact of this variant on MTTP protein function. In summary, the available evidence is currently insufficient to determine the role of this variant in disease. Therefore, it has been classified as a Variant of Uncertain Significance.

Natera, Inc.
Classification: Uncertain significance for Abetalipoproteinemia. Last evaluated: 2020-03-24. Review status: no assertion criteria provided. Collection method: clinical testing. Allele origin: germline. Not counted in ClinVar's aggregate classification.